The following is an entry in ClinVar:

ClinVar aggregate classification (germline): Uncertain significance (1 of 4 stars; one submission).

Conditions:
CUL4B-related disorder. Also called: CUL4B-related condition.

Submission:

PreventionGenetics, part of Exact Sciences
Classification: Uncertain significance for CUL4B-related condition. Last evaluated: 2025-07-31. Review status: criteria provided, single submitter. Criteria: ACMG Guidelines, 2015. Collection method: clinical testing. Allele origin: germline.
Comment: The CUL4B c.1244A>C variant is predicted to result in the amino acid substitution p.His415Pro. To our knowledge, this variant has not been reported in the literature or in a large population database (gnomAD), indicating this variant is rare. At this time, the clinical significance of this variant is uncertain due to the absence of conclusive functional and genetic evidence.

NM_001079872.2(CUL4B):c.1190A>C (p.His397Pro)

Gene: CUL4B (cullin 4B; minus strand). Cytogenetic location: Xq24.
Variant type: single nucleotide variant.
Coding change: c.1190A>C on transcript NM_001079872.2 (MANE Select); coding-DNA position 1190, A replaced by C.
Protein change: p.His397Pro; replaces histidine 397 with proline.
Molecular consequence: missense variant.
Genome position (GRCh38, 1-based): chrX:120,543,793, T>G on the plus strand (A>C on the coding strand, the complement: CUL4B is on the minus strand). VCF-style: chrX-120543793-T-G. GRCh37 (hg19) VCF-style: chrX-119677648-T-G.
Other names: c.1205A>C, p.His402Pro (NM_001330624.2); c.656A>C, p.His219Pro (NM_001369145.1); c.1244A>C, p.His415Pro (NM_003588.4); short protein forms H397P, H415P, H402P, H219P.
Identifiers: ClinVar variation 4999968 (VCV004999968.1).
Genomic context (GRCh38, chrX:120,543,793, plus strand): 5'-GTCTGATCTAAGTAAGTAATAAGTCTGTCTGCTTCTTCTTCTAGACGTTTGTTAACATGA[T>G]GTAGATATTCAGGAACCTACAAAGATAGTTTTTTACATTATTGTTTTCCTCCCCATAAAT-3'
Protein context (NP_001073341.1, residues 387-407): MQEREVPEYL[His397Pro]HVNKRLEEEA